The following is an entry in ClinVar:

NM_020975.6(RET):c.2168A>T (p.Asn723Ile)

Gene: RET (ret proto-oncogene; plus strand). Cytogenetic location: 10q11.21.
Variant type: single nucleotide variant.
Coding change: c.2168A>T on transcript NM_020975.6 (MANE Select); coding-DNA position 2168, A replaced by T.
Protein change: p.Asn723Ile; replaces asparagine 723 with isoleucine.
Molecular consequence: missense variant.
Genome position (GRCh38, 1-based): chr10:43,116,615, A>T. VCF-style: chr10-43116615-A-T. GRCh37 (hg19) VCF-style: chr10-43612063-A-T.
Other names: c.2168A>T, p.Asn723Ile (NM_001406760.1, NM_001406743.1, NM_001406744.1 and 2 more transcripts); c.2039A>T, p.Asn680Ile (NM_001406761.1, NM_001406762.1, NM_001406764.1); c.2033A>T, p.Asn678Ile (NM_001406763.1, NM_001406765.1); c.1880A>T, p.Asn627Ile (NM_001406766.1, NM_001406767.1, NM_001406770.1); c.1904A>T, p.Asn635Ile (NM_001406768.1); c.1271A>T, p.Asn424Ile (NM_001406779.1, NM_001406780.1, NM_001406781.1 and 1 more transcripts); c.1142A>T, p.Asn381Ile (NM_001406783.1, NM_001406786.1); c.1178A>T, p.Asn393Ile (NM_001406784.1); and 10 more; short protein forms N379I, N393I, N481I, N678I, N240I, N288I, N469I, N548I.
Identifiers: ClinVar variation 4152798 (VCV004152798.1).
Genomic context (GRCh38, chr10:43,116,615, plus strand): 5'-TTCTCCCCCTTCCCTCATTTCCAACATAGGAGGATCCAAAGTGGGAATTCCCTCGGAAGA[A>T]CTTGGTTCTTGGAAAAACTCTAGGAGAAGGCGAATTTGGAAAAGTGGTCAAGGCAACGGC-3'
Protein context (NP_066124.1, residues 713-733): EDPKWEFPRK[Asn723Ile]LVLGKTLGEG

ClinVar aggregate classification (germline): Uncertain significance (1 of 4 stars; one submission).

Conditions:
Hereditary cancer-predisposing syndrome. Also called: Neoplastic Syndromes, Hereditary; Tumor predisposition; Hereditary Cancer Syndrome; Hereditary neoplastic syndrome. Identifiers: Orphanet 140162, MedGen C0027672, MeSH D009386, MONDO:0015356.

Submission:

Ambry Genetics
Classification: Uncertain significance for Hereditary cancer-predisposing syndrome. Last evaluated: 2025-07-30. Review status: criteria provided, single submitter. Criteria: Ambry Variant Classification Scheme 2023. Collection method: clinical testing. Allele origin: germline.
Comment: The p.N723I variant (also known as c.2168A>T), located in coding exon 12 of the RET gene, results from an A to T substitution at nucleotide position 2168. The asparagine at codon 723 is replaced by isoleucine, an amino acid with dissimilar properties. This amino acid position is conserved. In addition, this alteration is predicted to be deleterious by in silico analysis. Based on the available evidence, the clinical significance of this variant remains unclear.